The following is an entry in ClinVar:

ClinVar aggregate classification (germline): Benign. Review status: criteria provided, multiple submitters, no conflicts (2 of 4 stars). 4 submissions from 4 submitters: Benign (3). 1 of the submissions does not count toward it. Last evaluated 2026-02-03.

Conditions:
FAT2-related disorder. Also called: FAT2-related condition.
Spinocerebellar ataxia 45. Identifiers: Orphanet 589527, MedGen C4540400, MONDO:0033480, OMIM 617769.

Allele frequency attached by ClinVar (database versions not stated): gnomAD exomes 0.08245 and 0.06646; gnomAD 0.04948 and 0.04171; 1000 Genomes Project 30x 0.09041; TOPMed 0.04291; ESP Exome Variant Server 0.03737; ExAC 0.08530; 1000 Genomes Project 0.09585.
gnomAD v4.1: 105,286 of 1,614,114 alleles (6.5%); highest among the groups gnomAD compares: South Asian, 23%; 5,765 homozygotes.

Submissions (4):

Labcorp Genetics (formerly Invitae), Labcorp
Classification: Benign. Last evaluated: 2026-02-03. Review status: criteria provided, single submitter. Criteria: Invitae Variant Classification Sherloc (09022015). Collection method: clinical testing. Allele origin: germline.

Genome-Nilou Lab
Classification: Benign for Spinocerebellar ataxia 45. Last evaluated: 2021-08-10. Review status: criteria provided, single submitter. Criteria: ACMG Guidelines, 2015. Collection method: clinical testing. Allele origin: germline. Affected: no.

GeneDx
Classification: Benign. Last evaluated: 2021-05-04. Review status: criteria provided, single submitter. Criteria: GeneDx Variant Classification Process June 2021. Collection method: clinical testing. Allele origin: germline. Affected: yes.

PreventionGenetics, part of Exact Sciences
Classification: Benign for FAT2-related condition. Last evaluated: 2019-11-27. Review status: no assertion criteria provided. Collection method: clinical testing. Allele origin: germline. Not counted in ClinVar's aggregate classification.
Comment: This variant is classified as benign based on ACMG/AMP sequence variant interpretation guidelines (Richards et al. 2015 PMID: 25741868, with internal and published modifications).

NM_001447.3(FAT2):c.10350G>A (p.Leu3450=)

Genes: FAT2 (FAT atypical cadherin 2; minus strand), SLC36A1 (solute carrier family 36 member 1; plus strand). Cytogenetic location: 5q33.1.
Variant type: single nucleotide variant.
Coding change: c.10350G>A on transcript NM_001447.3 (MANE Select); coding-DNA position 10350, G replaced by A.
Protein change: p.Leu3450=; no amino-acid change (leucine 3450 retained).
Molecular consequence: synonymous variant.
Genome position (GRCh38, 1-based): chr5:151,525,924, C>T on the plus strand (G>A on the coding strand, the complement: FAT2 is on the minus strand). VCF-style: chr5-151525924-C-T. GRCh37 (hg19) VCF-style: chr5-150905485-C-T.
Identifiers: ClinVar variation 1252863 (VCV001252863.10), dbSNP rs36092108, ClinGen allele CA3520287.
Genomic context (GRCh38, chr5:151,525,924, plus strand): 5'-GTTCCCCTTGGTGATTCGAAACGAGTAGGGGGGGCCATTCTCTGGAGAATCTGGGTCACT[C>T]AGGATCAGCTGCAGGACTTTGCTGCCAATGGGGGAGTTCTCCTGAGACCGAGAGTGACAA-3'
Protein context (NP_001438.1, residues 3440-3460): PIGSKVLQLI[Leu3450=]SDPDSPENGP